The following is an entry in ClinVar:

ClinVar aggregate classification (germline): Uncertain significance. Review status: criteria provided, multiple submitters, no conflicts (2 of 4 stars). 2 submissions from 2 submitters: Uncertain significance (2). Last evaluated 2025-11-24.

Conditions:
Idiopathic generalized epilepsy. Also called: EIG; Generalised epilepsy. Identifiers: MedGen C0270850, MONDO:0005579, OMIM 600669.
Inborn genetic diseases. Identifiers: MedGen C0950123, MeSH D030342.

Allele frequency attached by ClinVar (database versions not stated): gnomAD 0.00007 and 0.00008; TOPMed 0.00010.
gnomAD v4.1: 48 of 1,613,956 alleles (0.003%); highest among the groups gnomAD compares: African/African-American, 0.023%; no homozygotes.

Submissions (2):

Labcorp Genetics (formerly Invitae), Labcorp
Classification: Uncertain significance for Idiopathic generalized epilepsy. Last evaluated: 2025-11-24. Review status: criteria provided, single submitter. Criteria: Invitae Variant Classification Sherloc (09022015). Collection method: clinical testing. Allele origin: germline.
Comment: This sequence change replaces threonine, which is neutral and polar, with methionine, which is neutral and non-polar, at codon 130 of the RBFOX1 protein (p.Thr130Met). This variant is present in population databases (rs200502098, gnomAD 0.03%). This variant has not been reported in the literature in individuals affected with RBFOX1-related conditions. ClinVar contains an entry for this variant (Variation ID: 939071). Invitae Evidence Modeling of protein sequence and biophysical properties (such as structural, functional, and spatial information, amino acid conservation, physicochemical variation, residue mobility, and thermodynamic stability) indicates that this missense variant is not expected to disrupt RBFOX1 protein function with a negative predictive value of 80%. In summary, the available evidence is currently insufficient to determine the role of this variant in disease. Therefore, it has been classified as a Variant of Uncertain Significance.

Ambry Genetics
Classification: Uncertain significance for Inborn genetic diseases. Last evaluated: 2024-01-23. Review status: criteria provided, single submitter. Criteria: Ambry Variant Classification Scheme 2023. Collection method: clinical testing. Allele origin: germline.

NM_018723.4(RBFOX1):c.329C>T (p.Thr110Met)

Genes: RBFOX1 (RNA binding fox-1 homolog 1; plus strand), LOC126862278 (CDK7 strongly-dependent group 2 enhancer GRCh37_chr16:7629446-7630645; plus strand). Cytogenetic location: 16p13.3.
Variant type: single nucleotide variant.
Coding change: c.329C>T on transcript NM_018723.4 (MANE Select); coding-DNA position 329, C replaced by T.
Protein change: p.Thr110Met; replaces threonine 110 with methionine.
Molecular consequence: missense variant.
Genome position (GRCh38, 1-based): chr16:7,579,835, C>T. VCF-style: chr16-7579835-C-T. GRCh37 (hg19) VCF-style: chr16-7629837-C-T.
Other names: c.329C>T, p.Thr110Met (NM_001142333.2, NM_001142334.2, NM_001364800.2); c.458C>T, p.Thr153Met (NM_001308117.1); c.389C>T, p.Thr130Met (NM_145891.3, NM_145892.3, NM_145893.3); short protein forms T130M, T153M, T110M.
Identifiers: ClinVar variation 939071 (VCV000939071.11), dbSNP rs200502098, ClinGen allele CA7891453.